The following is an entry in ClinVar:

NM_000218.3(KCNQ1):c.153C>A (p.Tyr51Ter)

Gene: KCNQ1 (potassium voltage-gated channel subfamily Q member 1; plus strand). Cytogenetic location: 11p15.5.
Variant type: single nucleotide variant.
Coding change: c.153C>A on transcript NM_000218.3 (MANE Select); coding-DNA position 153, C replaced by A.
Protein change: p.Tyr51Ter; replaces tyrosine 51 with a stop codon.
Molecular consequence: nonsense.
Genome position (GRCh38, 1-based): chr11:2,445,251, C>A. VCF-style: chr11-2445251-C-A. GRCh37 (hg19) VCF-style: chr11-2466481-C-A.
Other names: short protein forms Y51*.
Identifiers: ClinVar variation 933168 (VCV000933168.9), dbSNP rs397508096, ClinGen allele CA379116387.

ClinVar aggregate classification (germline): Pathogenic. Review status: criteria provided, multiple submitters, no conflicts (2 of 4 stars). 2 submissions from 2 submitters: Pathogenic (2). Last evaluated 2020-11-27.

Conditions:
Cardiac arrhythmia. Also called: Cardiac rhythm disease; Arrhythmia. Identifiers: MedGen C0003811, MONDO:0007263, HP:0011675.
Long QT syndrome (LQTS). Identifiers: MedGen C0023976, MeSH D008133, MONDO:0002442. Disease mechanism: loss of function. Inheritance: Various modes of inheritance.

Submissions (2):

Labcorp Genetics (formerly Invitae), Labcorp
Classification: Pathogenic for Long QT syndrome. Last evaluated: 2020-11-27. Review status: criteria provided, single submitter. Criteria: Invitae Variant Classification Sherloc (09022015). Collection method: clinical testing. Allele origin: germline.
Comment: This sequence change creates a premature translational stop signal (p.Tyr51*) in the KCNQ1 gene. It is expected to result in an absent or disrupted protein product. Loss-of-function variants in KCNQ1 are known to be pathogenic (PMID: 9323054, 19862833). The frequency data for this variant in the population databases is considered unreliable, as metrics indicate insufficient coverage at this position in the ExAC database. This nonsense change has been observed in individual(s) with clinical features of long QT syndrome (PMID: 30758498, 15840476). ClinVar contains an entry for this variant (Variation ID: 933168). Algorithms developed to predict the effect of sequence changes on RNA splicing suggest that this variant may create or strengthen a splice site, but this prediction has not been confirmed by published transcriptional studies. For these reasons, this variant has been classified as Pathogenic.

Women's Health and Genetics/Laboratory Corporation of America, LabCorp
Classification: Pathogenic for Arrhythmia. Last evaluated: 2020-06-10. Review status: criteria provided, single submitter. Criteria: LabCorp Variant Classification Summary - May 2015. Collection method: clinical testing. Allele origin: germline.
Comment: Variant summary: KCNQ1 c.153C>A (p.Tyr51X) results in a premature termination codon, predicted to cause a truncation of the encoded protein or absence of the protein due to nonsense mediated decay, which are commonly known mechanisms for disease. Truncations downstream of this position have been classified as pathogenic by our laboratory. The variant was absent in 34442 control chromosomes (gnomAD). c.153C>A has been reported in the literature in an individual affected with congenital LQTS (Shimizu_2019). To our knowledge, no experimental evidence demonstrating an impact on protein function has been reported. No clinical diagnostic laboratories have submitted clinical-significance assessments for this variant to ClinVar after 2014. However, a different variant resulting in the same codon effect (c.153C>G, p.Tyr51X) is reported in ClinVar and other online databases (e.g. HGMD, LOVD, The Gene Connection for the Heart) as pathogenic and as disease-associated. Based on the evidence outlined above, the variant was classified as pathogenic.

Literature cited by the submitters: PubMed 9323054 (cited by Labcorp Genetics (formerly Invitae), Labcorp); PubMed 19862833 (cited by Labcorp Genetics (formerly Invitae), Labcorp); PubMed 30758498 (cited by Labcorp Genetics (formerly Invitae), Labcorp and Women's Health and Genetics/Laboratory Corporation of America, LabCorp); PubMed 15840476 (cited by Labcorp Genetics (formerly Invitae), Labcorp).